The following is an entry in ClinVar:

NM_080680.3(COL11A2):c.3933T>G (p.Asn1311Lys)

Gene: COL11A2 (collagen type XI alpha 2 chain; minus strand). Cytogenetic location: 6p21.32.
Variant type: single nucleotide variant.
Coding change: c.3933T>G on transcript NM_080680.3 (MANE Select); coding-DNA position 3933, T replaced by G.
Protein change: p.Asn1311Lys; replaces asparagine 1311 with lysine.
Molecular consequence: missense variant.
Genome position (GRCh38, 1-based): chr6:33,168,546, A>C on the plus strand (T>G on the coding strand, the complement: COL11A2 is on the minus strand). VCF-style: chr6-33168546-A-C. GRCh37 (hg19) VCF-style: chr6-33136323-A-C.
Other names: c.3753T>G, p.Asn1251Lys (NM_001424108.1); c.3087T>G, p.Asn1029Lys (NM_001424109.1); c.2907T>G, p.Asn969Lys (NM_001424110.1, NM_001424111.1); c.1887T>G, p.Asn629Lys (NM_001424112.1); c.3612T>G, p.Asn1204Lys (NM_080679.3); c.3675T>G, p.Asn1225Lys (NM_080681.3); short protein forms N1029K, N629K, N969K, N1225K, N1311K, N1204K, N1251K.
Identifiers: ClinVar variation 2785599 (VCV002785599.3), dbSNP rs2534649457, ClinGen allele CA363624652.
Genomic context (GRCh38, chr6:33,168,546, plus strand): 5'-CCTCCCAAGGTCTCAGGGGTCCACCTCACTTACTCGCTTTCCAAGTGGCCCTGGGGGTCC[A>C]TTCTCCCCGGTGGGACCAGGGGATCCCTAGGGAGAGAGGAATTGGGGTGGCTGAGTGTTT-3'
Protein context (NP_542411.2, residues 1301-1321): QPGSPGPTGE[Asn1311Lys]GPPGPLGKRG

ClinVar aggregate classification (germline): Uncertain significance (1 of 4 stars; one submission).

Allele frequency attached by ClinVar (database versions not stated): gnomAD exomes below 0.00001.
gnomAD v4.1: 1 of 1,613,500 alleles (0.000062%); highest among the groups gnomAD compares: Non-Finnish European, 0.000085%; no homozygotes.

Submission:

Labcorp Genetics (formerly Invitae), Labcorp
Classification: Uncertain significance. Last evaluated: 2024-08-28. Review status: criteria provided, single submitter. Criteria: Invitae Variant Classification Sherloc (09022015). Collection method: clinical testing. Allele origin: germline.
Comment: This sequence change replaces asparagine, which is neutral and polar, with lysine, which is basic and polar, at codon 1311 of the COL11A2 protein (p.Asn1311Lys). This variant is not present in population databases (gnomAD no frequency). This variant has not been reported in the literature in individuals affected with COL11A2-related conditions. Invitae Evidence Modeling of protein sequence and biophysical properties (such as structural, functional, and spatial information, amino acid conservation, physicochemical variation, residue mobility, and thermodynamic stability) indicates that this missense variant is not expected to disrupt COL11A2 protein function with a negative predictive value of 95%. In summary, the available evidence is currently insufficient to determine the role of this variant in disease. Therefore, it has been classified as a Variant of Uncertain Significance.